The following is an entry in ClinVar:

NM_003579.4(RAD54L):c.493T>C (p.Trp165Arg)

Gene: RAD54L (RAD54 like; plus strand). Cytogenetic location: 1p34.1.
Variant type: single nucleotide variant.
Coding change: c.493T>C on transcript NM_003579.4 (MANE Select); coding-DNA position 493, T replaced by C.
Protein change: p.Trp165Arg; replaces tryptophan 165 with arginine.
Molecular consequence: missense variant. On other transcripts: 5 prime UTR variant (1).
Genome position (GRCh38, 1-based): chr1:46,260,742, T>C. VCF-style: chr1-46260742-T-C. GRCh37 (hg19) VCF-style: chr1-46726414-T-C.
Other names: c.493T>C, p.Trp165Arg (NM_001142548.2); c.-48T>C (NM_001370766.1); short protein forms W165R.
Identifiers: ClinVar variation 3429796 (VCV003429796.1).

ClinVar aggregate classification (germline): Uncertain significance (1 of 4 stars; one submission).

Submission:

Ambry Genetics
Classification: Uncertain significance. Last evaluated: 2024-07-24. Review status: criteria provided, single submitter. Criteria: Ambry Variant Classification Scheme 2023. Collection method: clinical testing. Allele origin: germline.
Comment: The p.W165R variant (also known as c.493T>C), located in coding exon 7 of the RAD54L gene, results from a T to C substitution at nucleotide position 493. The tryptophan at codon 165 is replaced by arginine, an amino acid with dissimilar properties. This amino acid position is conserved. In addition, this alteration is predicted to be deleterious by in silico analysis. Based on the available evidence, the clinical significance of this variant remains unclear.